The following is an entry in ClinVar:

ClinVar aggregate classification (germline): Uncertain significance (1 of 4 stars; one submission).

Conditions:
Complex cortical dysplasia with other brain malformations 4. Identifiers: MedGen C3809420, MONDO:0014171, OMIM 615412.

Submission:

Juno Genomics, Hangzhou Juno Genomics, Inc
Classification: Uncertain significance for Complex cortical dysplasia with other brain malformations 4. Review status: criteria provided, single submitter. Criteria: ACMG Guidelines, 2015. Collection method: clinical testing. Allele origin: germline. Affected: yes.
Comment: Absent from controls (or at extremely low frequency if recessive) in Genome Aggregation Database, Exome Sequencing Project, 1000 Genomes Project, or Exome Aggregation Consortium.;De novo (both maternity and paternity confirmed) in a patient with the disease and no family history.;Missense variant in a gene that has a low rate of benign missense variation and where missense variants are a common mechanism of disease.;Multiple lines of computational evidence support a deleterious effect on the gene or gene product (conservation, evolutionary, splicing impact, etc).

NM_001070.5(TUBG1):c.931C>T (p.Arg311Cys)

Gene: TUBG1 (tubulin gamma 1; plus strand). Cytogenetic location: 17q21.2.
Variant type: single nucleotide variant.
Coding change: c.931C>T on transcript NM_001070.5 (MANE Select); coding-DNA position 931, C replaced by T.
Protein change: p.Arg311Cys; replaces arginine 311 with cysteine.
Molecular consequence: missense variant.
Genome position (GRCh38, 1-based): chr17:42,614,347, C>T. VCF-style: chr17-42614347-C-T. GRCh37 (hg19) VCF-style: chr17-40766365-C-T.
Other names: short protein forms R311C.
Identifiers: ClinVar variation 3382385 (VCV003382385.2).